The following is an entry in ClinVar:

ClinVar aggregate classification (germline): Benign (1 of 4 stars; one submission).

Submission:

CeGaT Center for Human Genetics Tuebingen
Classification: Benign. Last evaluated: 2022-04-01. Review status: criteria provided, single submitter. Criteria: CeGaT Center For Human Genetics Tuebingen Variant Classification Criteria Version 2. Collection method: clinical testing. Allele origin: germline. Affected: yes. Observed: 1 variant allele.
Comment: SYNE2: BS1, BS2

NM_182914.3(SYNE2):c.*826C>G

Gene: SYNE2 (spectrin repeat containing nuclear envelope protein 2; plus strand). Cytogenetic location: 14q23.2.
Variant type: single nucleotide variant.
Coding change: c.*826C>G on transcript NM_182914.3 (MANE Select); 826 bases downstream of the stop codon, C replaced by G.
Molecular consequence: 3 prime UTR variant.
Genome position (GRCh38, 1-based): chr14:64,226,352, C>G. VCF-style: chr14-64226352-C-G. GRCh37 (hg19) VCF-style: chr14-64693070-C-G.
Other names: c.*826C>G (NM_015180.6, NM_182910.2, NM_182913.4).
Identifiers: ClinVar variation 2644314 (VCV002644314.24), dbSNP rs1295845365, ClinGen allele CA614404868.